The following is an entry in ClinVar:

ClinVar aggregate classification (germline): Pathogenic (1 of 4 stars; one submission).

Conditions:
Charcot-Marie-Tooth disease type 2. Also called: Charcot-Marie-Tooth type 2. Identifiers: Orphanet 64746, MedGen C0270914, MONDO:0018993.

Submission:

Labcorp Genetics (formerly Invitae), Labcorp
Classification: Pathogenic for Charcot-Marie-Tooth disease type 2. Last evaluated: 2025-03-05. Review status: criteria provided, single submitter. Criteria: Invitae Variant Classification Sherloc (09022015). Collection method: clinical testing. Allele origin: germline.
Comment: This sequence change affects the initiator methionine of the LMNA mRNA. The next in-frame methionine is located at codon 187. This variant is not present in population databases (gnomAD no frequency). Disruption of the initiator codon has been observed in individuals with clinical features of LMNA-related conditions (PMID: 26620845, 29211919; internal data). ClinVar contains an entry for this variant (Variation ID: 1076704). This variant disrupts the p.Arg25 amino acid residue in LMNA. Other variant(s) that disrupt this residue have been determined to be pathogenic (PMID: 14684700, 20092787, 31296869). This suggests that this residue is clinically significant, and that variants that disrupt this residue are likely to be disease-causing. For these reasons, this variant has been classified as Pathogenic.

Literature cited by the submitters: PubMed 26620845; PubMed 29211919; PubMed 14684700; PubMed 20092787; PubMed 31296869.

NM_170707.4(LMNA):c.1A>T (p.Met1Leu)

Gene: LMNA (lamin A/C; plus strand). Cytogenetic location: 1q22.
Variant type: single nucleotide variant.
Coding change: c.1A>T on transcript NM_170707.4 (MANE Select); coding-DNA position 1, A replaced by T.
Protein change: p.Met1Leu; changes the start codon (methionine 1).
Molecular consequence: missense variant, initiator codon variant.
Genome position (GRCh38, 1-based): chr1:156,114,919, A>T. VCF-style: chr1-156114919-A-T. GRCh37 (hg19) VCF-style: chr1-156084710-A-T.
Other names: c.1A>T, p.Met1Leu (NM_001282625.2, NM_001282626.2, NM_005572.4 and 1 more transcripts); short protein forms M1L.
Identifiers: ClinVar variation 1076704 (VCV001076704.9), dbSNP rs2102816719, ClinGen allele CA342805814.